The following is an entry in ClinVar:

NM_001458.5(FLNC):c.6451G>A (p.Gly2151Ser)

Genes: FLNC (filamin C; plus strand), FLNC-AS1 (FLNC antisense RNA 1; minus strand). Cytogenetic location: 7q32.1.
Variant type: single nucleotide variant.
Coding change: c.6451G>A on transcript NM_001458.5 (MANE Select); coding-DNA position 6451, G replaced by A.
Protein change: p.Gly2151Ser; replaces glycine 2151 with serine.
Molecular consequence: missense variant.
Genome position (GRCh38, 1-based): chr7:128,853,804, G>A. VCF-style: chr7-128853804-G-A. GRCh37 (hg19) VCF-style: chr7-128493858-G-A.
Other names: c.6352G>A, p.Gly2118Ser (NM_001127487.2); short protein forms G2118S, G2151S.
Identifiers: ClinVar variation 840155 (VCV000840155.16), dbSNP rs1563003159, ClinGen allele CA369212569.

ClinVar aggregate classification (germline): Conflicting classifications of pathogenicity. Review status: criteria provided, conflicting classifications (1 of 4 stars). 6 submissions from 6 submitters: Likely pathogenic (4); Uncertain significance (2). Last evaluated 2025-12-15.

Conditions:
Distal myopathy with posterior leg and anterior hand involvement. Also called: WILLIAMS DISTAL MYOPATHY. Identifiers: Orphanet 63273, MedGen C3279722, MONDO:0013550, OMIM 614065.
Myofibrillar myopathy 5. Also called: Filaminopathy (type); FILAMINOPATHY, AUTOSOMAL DOMINANT. Identifiers: Orphanet 171445, MedGen C1836050, MONDO:0012289, OMIM 609524.
Hypertrophic cardiomyopathy 26. Also called: Cardiomyopathy, familial hypertrophic, 26. Identifiers: Orphanet 75249, MedGen C4310749, MONDO:0014883, OMIM 617047.
FLNC-related disorder. Also called: FLNC-related disorders; FLNC-related condition.
Cardiomyopathy (CMYO). Also called: Cardiomyopathies. Identifiers: Orphanet 167848, MedGen C0878544, MONDO:0004994, HP:0001638. Inheritance: Various modes of inheritance.

Submissions (6):

Labcorp Genetics (formerly Invitae), Labcorp
Classification: Uncertain significance for Distal myopathy with posterior leg and anterior hand involvement; Myofibrillar myopathy 5; Hypertrophic cardiomyopathy 26. Last evaluated: 2025-12-15. Review status: criteria provided, single submitter. Criteria: Invitae Variant Classification Sherloc (09022015). Collection method: clinical testing. Allele origin: germline.
Comment: This sequence change replaces glycine, which is neutral and non-polar, with serine, which is neutral and polar, at codon 2151 of the FLNC protein (p.Gly2151Ser). This variant is not present in population databases (gnomAD no frequency). This missense change has been observed in individuals with hypertrophic cardiomyopathy and/or restrictive cardiomyopathy (PMID: 25351925, 30418145, 30919686, 36252119, 39472908). ClinVar contains an entry for this variant (Variation ID: 840155). Invitae Evidence Modeling of protein sequence and biophysical properties (such as structural, functional, and spatial information, amino acid conservation, physicochemical variation, residue mobility, and thermodynamic stability) has been performed for this missense variant. However, the output from this modeling did not meet the statistical confidence thresholds required to predict the impact of this variant on FLNC protein function. In summary, the available evidence is currently insufficient to determine the role of this variant in disease. Therefore, it has been classified as a Variant of Uncertain Significance.

Blueprint Genetics
Classification: Likely pathogenic for FLNC-related disorders. Last evaluated: 2024-09-25. Review status: criteria provided, single submitter. Criteria: ACMG Guidelines, 2015. Collection method: clinical testing. Allele origin: germline. Affected: yes. Observed: 1 variant allele.

3billion
Classification: Likely pathogenic for Hypertrophic cardiomyopathy 26. Last evaluated: 2024-06-25. Review status: criteria provided, single submitter. Criteria: ACMG Guidelines, 2015. Collection method: clinical testing. Allele origin: germline. Affected: yes.
Comment: The variant is not observed in the gnomAD v4.0.0 dataset. Predicted Consequence/Location: Missense variant In silico tool predictions suggest damaging effect of the variant on gene or gene product [REVEL: 0.87 (>=0.6, sensitivity 0.68 and specificity 0.92); 3Cnet: 0.75 (>=0.6, sensitivity 0.72 and precision 0.9)]. The same nucleotide change resulting in the same amino acid change has been previously reported to be associated with FLNC related disorder (ClinVar ID: VCV000840155 /PMID: 25351925).The variant has been previously reported as assumed (i.e. paternity and maternity not confirmed) de novo in at least one similarly affected unrelated individual (PMID: 30919686). Therefore, this variant is classified as Likely pathogenic according to the recommendation of ACMG/AMP guideline.

Human Genetics Bochum, Ruhr University Bochum
Classification: Likely pathogenic for Cardiomyopathy. Last evaluated: 2022-11-25. Review status: criteria provided, single submitter. Criteria: ACMG Guidelines, 2015. Collection method: clinical testing. Allele origin: germline. Affected: yes.
Comment: ACMG criteria used to clasify this variant: PP3_STR, PS4_MOD, PM2_SUP

Illumina Laboratory Services, Illumina
Classification: Uncertain significance. Last evaluated: 2022-11-18. Review status: criteria provided, single submitter. Criteria: ICSL CNVClassificationCriteria Aug2020. Collection method: clinical testing. Allele origin: unknown. Affected: yes.
Comment: The FLNC c.6451G>A (p.Gly2151Ser) missense variant results in the substitution of glycine at amino acid position 2151 with serine. The c.6451G>A variant has been reported in two unrelated indivduals with restrictive cardiomyopathy (PMID: 25351925; PMID 30919686). This variant is not found in version 2.1.1 or version 3.1.2 of the Genome Aggregation Database. The Gly2151 residue is located in the recurrent immunoglobulin domain. Based on the available evidence, the c.6451G>A (p.Gly2151Ser) variant is classified as a variant of uncertain significance for familial restrictive cardiomyopathy.

GeneDx
Classification: Likely pathogenic. Last evaluated: 2022-11-04. Review status: criteria provided, single submitter. Criteria: GeneDx Variant Classification Process June 2021. Collection method: clinical testing. Allele origin: germline. Affected: yes.
Comment: Not observed at significant frequency in large population cohorts (gnomAD); Reported in ClinVar as a variant of uncertain significance but additional evidence is not available (ClinVar Variant ID#840155; ClinVar); In silico analysis supports that this missense variant has a deleterious effect on protein structure/function; This variant is associated with the following publications: (PMID: 25351925, 28356264, 30919686)

Literature cited by the submitters: PubMed 25351925 (cited by 3 submitters); PubMed 30418145 (cited by Labcorp Genetics (formerly Invitae), Labcorp); PubMed 30919686 (cited by 3 submitters); PubMed 36252119 (cited by Labcorp Genetics (formerly Invitae), Labcorp); PubMed 39472908 (cited by Labcorp Genetics (formerly Invitae), Labcorp).